The following is an entry in ClinVar:

NM_001110556.2(FLNA):c.5146C>G (p.Gln1716Glu)

Gene: FLNA (filamin A; minus strand). Cytogenetic location: Xq28.
Variant type: single nucleotide variant.
Coding change: c.5146C>G on transcript NM_001110556.2 (MANE Select); coding-DNA position 5146, C replaced by G.
Protein change: p.Gln1716Glu; replaces glutamine 1716 with glutamic acid.
Molecular consequence: missense variant.
Genome position (GRCh38, 1-based): chrX:154,354,896, G>C on the plus strand (C>G on the coding strand, the complement: FLNA is on the minus strand). VCF-style: chrX-154354896-G-C. GRCh37 (hg19) VCF-style: chrX-153583264-G-C.
Other names: c.5146C>G (NM_001110556.1); c.5122C>G, p.Gln1708Glu (NM_001456.4); short protein forms Q1708E, Q1716E.
Identifiers: ClinVar variation 1043378 (VCV001043378.15), dbSNP rs1557176613, ClinGen allele CA415207591.

ClinVar aggregate classification (germline): Conflicting classifications of pathogenicity. Review status: criteria provided, conflicting classifications (1 of 4 stars). 4 submissions from 4 submitters: Uncertain significance (2); Likely benign (2). Last evaluated 2025-12-22.

Conditions:
Familial thoracic aortic aneurysm and aortic dissection (TAAD). Also called: Thoracic aortic aneurysms and dissections. Identifiers: Orphanet 91387, MedGen C4707243, MONDO:0019625.
FLNA-related disorder.
Heterotopia, periventricular, X-linked dominant (PVNH1). Also called: PERIVENTRICULAR NODULAR HETEROTOPIA 1; X-linked periventricular heterotopia; PERIVENTRICULAR NODULAR HETEROTOPIA 4; HETEROTOPIA, PERIVENTRICULAR, 1. Identifiers: Orphanet 2149, Orphanet 82004, MedGen C1848213, MONDO:0010233, OMIM 300049.
Melnick-Needles syndrome (MNS). Also called: MELNICK-NEEDLES OSTEODYSPLASTY; OSTEODYSPLASTY OF MELNICK AND NEEDLES; Melnick-Needles Syndrome (FLNA-MNS). Identifiers: Orphanet 2484, MedGen C0025237, MONDO:0010650, OMIM 309350.
Frontometaphyseal dysplasia (FMD1). Identifiers: Orphanet 1826, MedGen C0265293, MONDO:0015942.
Oto-palato-digital syndrome, type II (OPD2). Also called: OPD II SYNDROME; FACIOPALATOOSSEOUS SYNDROME; Otopalatodigital Syndrome Type 2 (FLNA-OPD2); Otopalatodigital Syndrome, Type II. Identifiers: Orphanet 669, Orphanet 90652, MedGen C1844696, MONDO:0010571, OMIM 304120.

Allele frequency attached by ClinVar (database versions not stated): gnomAD exomes below 0.00001 and 0.00001.
gnomAD v4.1: 1 of 1,211,812 alleles (0.000083%); highest among the groups gnomAD compares: Non-Finnish European, 0.00011%; no homozygotes.

Submissions (4):

Labcorp Genetics (formerly Invitae), Labcorp
Classification: Likely benign for Oto-palato-digital syndrome, type II; Heterotopia, periventricular, X-linked dominant; Frontometaphyseal dysplasia; Melnick-Needles syndrome. Last evaluated: 2025-12-22. Review status: criteria provided, single submitter. Criteria: Invitae Variant Classification Sherloc (09022015). Collection method: clinical testing. Allele origin: germline.

Ambry Genetics
Classification: Likely benign for Familial thoracic aortic aneurysm and aortic dissection. Last evaluated: 2024-09-18. Review status: criteria provided, single submitter. Criteria: Ambry Variant Classification Scheme 2023. Collection method: clinical testing. Allele origin: germline.

GeneDx
Classification: Uncertain significance. Last evaluated: 2023-09-28. Review status: criteria provided, single submitter. Criteria: GeneDx Variant Classification Process June 2021. Collection method: clinical testing. Allele origin: germline. Affected: yes.
Comment: Has not been previously published as pathogenic or benign to our knowledge; In silico analysis supports that this missense variant does not alter protein structure/function

PreventionGenetics, part of Exact Sciences
Classification: Uncertain significance for FLNA-related condition. Last evaluated: 2022-09-09. Review status: criteria provided, single submitter. Criteria: ACMG Guidelines, 2015. Collection method: clinical testing. Allele origin: germline.
Comment: The FLNA c.5146C>G variant is predicted to result in the amino acid substitution p.Gln1716Glu. To our knowledge, this variant has not been reported in the literature. This variant is reported in 0.0012% of alleles in individuals of European (Non-Finnish) descent in gnomAD. At this time, the clinical significance of this variant is uncertain due to the absence of conclusive functional and genetic evidence.